The following is an entry in ClinVar:

NM_001376013.1(EPB41):c.2133C>G (p.His711Gln)

Gene: EPB41 (erythrocyte membrane protein band 4.1; plus strand). Cytogenetic location: 1p35.3.
Variant type: single nucleotide variant.
Coding change: c.2133C>G on transcript NM_001376013.1 (MANE Select); coding-DNA position 2133, C replaced by G.
Protein change: p.His711Gln; replaces histidine 711 with glutamine.
Molecular consequence: missense variant.
Genome position (GRCh38, 1-based): chr1:29,065,107, C>G. VCF-style: chr1-29065107-C-G. GRCh37 (hg19) VCF-style: chr1-29391619-C-G.
Other names: p.His711Gln; c.2133C>G, p.His711Gln (NM_001376017.1, NM_001376019.1, NM_001166005.2 and 1 more transcripts); c.2130C>G, p.His710Gln (NM_001376018.1, NM_001376020.1); c.1971C>G, p.His657Gln (NM_001376021.1); c.2091C>G, p.His697Gln (NM_001166006.2); c.1506C>G, p.His502Gln (NM_001376022.1, NM_001376023.1, NM_001376024.1 and 1 more transcripts); c.1398C>G, p.His466Gln (NM_001376026.1); c.1344C>G, p.His448Gln (NM_001376027.1, NM_001166007.2); and 5 more; short protein forms H447Q, H448Q, H466Q, H469Q, H488Q, H502Q, H622Q, H657Q.
Identifiers: ClinVar variation 3379538 (VCV003379538.2).

ClinVar aggregate classification (germline): Uncertain significance. Review status: criteria provided, multiple submitters, no conflicts (2 of 4 stars). 2 submissions from 2 submitters: Uncertain significance (2). Last evaluated 2025-06-10.

gnomAD v4.1: 4 of 1,613,744 alleles (0.00025%); highest among the groups gnomAD compares: Non-Finnish European, 0.00025%; no homozygotes.

Submissions (2):

Labcorp Genetics (formerly Invitae), Labcorp
Classification: Uncertain significance. Last evaluated: 2025-06-10. Review status: criteria provided, single submitter. Criteria: Invitae Variant Classification Sherloc (09022015). Collection method: clinical testing. Allele origin: germline.
Comment: This sequence change replaces histidine, which is basic and polar, with glutamine, which is neutral and polar, at codon 469 of the EPB41 protein (p.His469Gln). This variant is present in population databases (rs767938360, gnomAD 0.0009%). This variant has not been reported in the literature in individuals affected with EPB41-related conditions. ClinVar contains an entry for this variant (Variation ID: 3379538). An algorithm developed to predict the effect of missense changes on protein structure and function (PolyPhen-2) suggests that this variant is likely to be disruptive. In summary, the available evidence is currently insufficient to determine the role of this variant in disease. Therefore, it has been classified as a Variant of Uncertain Significance.

Mayo Clinic Laboratories, Mayo Clinic
Classification: Uncertain significance. Last evaluated: 2024-02-27. Review status: criteria provided, single submitter. Criteria: ACMG Guidelines, 2015. Collection method: clinical testing. Allele origin: germline. Observed: 1 variant allele.
Comment: PM2_moderate